The following is an entry in ClinVar:

NM_005591.4(MRE11):c.1732G>A (p.Gly578Ser)

Gene: MRE11 (MRE11 double strand break repair nuclease; minus strand). Cytogenetic location: 11q21.
Variant type: single nucleotide variant.
Coding change: c.1732G>A on transcript NM_005591.4 (MANE Select); coding-DNA position 1732, G replaced by A.
Protein change: p.Gly578Ser; replaces glycine 578 with serine.
Molecular consequence: missense variant.
Genome position (GRCh38, 1-based): chr11:94,447,270, C>T on the plus strand (G>A on the coding strand, the complement: MRE11 is on the minus strand). VCF-style: chr11-94447270-C-T. GRCh37 (hg19) VCF-style: chr11-94180436-C-T.
Other names: c.1732G>A, p.Gly578Ser (NM_001330347.2, NM_001440460.1, NM_001440461.1 and 10 more transcripts); c.1669G>A, p.Gly557Ser (NM_001440467.1, NM_001440468.1, NM_001440469.1 and 2 more transcripts); c.1657G>A, p.Gly553Ser (NM_001440471.1, NM_001440472.1); c.1651G>A, p.Gly551Ser (NM_001440473.1, NM_001440477.1, NM_001440478.1); c.1594G>A, p.Gly532Ser (NM_001440479.1); c.1387G>A, p.Gly463Ser (NM_001440482.1, NM_001440483.1, NM_001440484.1); c.1264G>A, p.Gly422Ser (NM_001440485.1, NM_001440486.1, NM_001440487.1); short protein forms G532S, G551S, G463S, G557S, G578S, G422S, G553S.
Identifiers: ClinVar variation 5024677 (VCV005024677.1).

ClinVar aggregate classification (germline): Uncertain significance (1 of 4 stars; one submission).

Conditions:
Hereditary cancer-predisposing syndrome. Also called: Neoplastic Syndromes, Hereditary; Tumor predisposition; Hereditary neoplastic syndrome; Hereditary Cancer Syndrome. Identifiers: Orphanet 140162, MedGen C0027672, MeSH D009386, MONDO:0015356.

Submission:

Ambry Genetics
Classification: Uncertain significance for Hereditary cancer-predisposing syndrome. Last evaluated: 2026-07-28. Review status: criteria provided, single submitter. Criteria: Ambry Variant Classification Scheme 2023. Collection method: clinical testing. Allele origin: germline.
Comment: The p.G578S variant (also known as c.1732G>A), located in coding exon 14 of the MRE11A gene, results from a G to A substitution at nucleotide position 1732. The glycine at codon 578 is replaced by serine, an amino acid with similar properties. This amino acid position is conserved. In addition, this alteration is predicted to be tolerated by in silico analysis. Based on the available evidence, the clinical significance of this variant remains unclear.